The following is an entry in ClinVar:

ClinVar aggregate classification (germline): Uncertain significance (1 of 4 stars; one submission).

Conditions:
Congenital erythropoietic porphyria. Also called: GUNTHER DISEASE; UROS DEFICIENCY; Porphyria, Erythropoietic; Congenital porphyria; Günther disease; Uroporphyrinogen III synthase, deficiency of. Identifiers: Orphanet 79277, MedGen C5886774, MONDO:0009902, OMIM 263700.

Submission:

Juno Genomics, Hangzhou Juno Genomics, Inc
Classification: Uncertain significance for Congenital erythropoietic porphyria. Review status: criteria provided, single submitter. Criteria: ACMG Guidelines, 2015. Collection method: clinical testing. Allele origin: germline.
Comment: Absent from controls (or at extremely low frequency if recessive) in Genome Aggregation Database.;Multiple lines of computational evidence support a deleterious effect on the gene or gene product.

NM_000375.3(UROS):c.683C>G (p.Thr228Arg)

Gene: UROS (uroporphyrinogen III synthase; minus strand). Cytogenetic location: 10q26.2.
Variant type: single nucleotide variant.
Coding change: c.683C>G on transcript NM_000375.3 (MANE Select); coding-DNA position 683, C replaced by G.
Protein change: p.Thr228Arg; replaces threonine 228 with arginine.
Molecular consequence: missense variant. On other transcripts: non-coding transcript variant (3).
Genome position (GRCh38, 1-based): chr10:125,788,983, G>C on the plus strand (C>G on the coding strand, the complement: UROS is on the minus strand). VCF-style: chr10-125788983-G-C. GRCh37 (hg19) VCF-style: chr10-127477552-G-C.
Other names: c.764C>G, p.Thr255Arg (NM_001324036.2); c.683C>G, p.Thr228Arg (NM_001324037.2); c.602C>G, p.Thr201Arg (NM_001324038.2); short protein forms T255R, T201R, T228R.
Identifiers: ClinVar variation 5007653 (VCV005007653.2).